The following is an entry in ClinVar:

ClinVar aggregate classification (germline): Uncertain significance (1 of 4 stars; one submission).

Conditions:
Familial cold autoinflammatory syndrome 3 (FCAS3). Also called: FAMILIAL ATYPICAL COLD URTICARIA; ANTIBODY DEFICIENCY AND IMMUNE DYSREGULATION, PLCG2-ASSOCIATED. Identifiers: Orphanet 300359, MedGen C3280914, MONDO:0013766, OMIM 614468.

gnomAD v4.1: 3 of 1,613,798 alleles (0.00019%); highest among the groups gnomAD compares: African/African-American, 0.004%; no homozygotes.

Submission:

Labcorp Genetics (formerly Invitae), Labcorp
Classification: Uncertain significance for Familial cold autoinflammatory syndrome 3. Last evaluated: 2024-02-14. Review status: criteria provided, single submitter. Criteria: Invitae Variant Classification Sherloc (09022015). Collection method: clinical testing. Allele origin: germline.
Comment: This sequence change replaces alanine, which is neutral and non-polar, with threonine, which is neutral and polar, at codon 1130 of the PLCG2 protein (p.Ala1130Thr). This variant is not present in population databases (gnomAD no frequency). This variant has not been reported in the literature in individuals affected with PLCG2-related conditions. An algorithm developed to predict the effect of missense changes on protein structure and function (PolyPhen-2) suggests that this variant is likely to be tolerated. In summary, the available evidence is currently insufficient to determine the role of this variant in disease. Therefore, it has been classified as a Variant of Uncertain Significance.

NM_002661.5(PLCG2):c.3388G>A (p.Ala1130Thr)

Gene: PLCG2 (phospholipase C gamma 2; plus strand). Cytogenetic location: 16q23.3.
Variant type: single nucleotide variant.
Coding change: c.3388G>A on transcript NM_002661.5 (MANE Select); coding-DNA position 3388, G replaced by A.
Protein change: p.Ala1130Thr; replaces alanine 1130 with threonine.
Molecular consequence: missense variant.
Genome position (GRCh38, 1-based): chr16:81,939,966, G>A. VCF-style: chr16-81939966-G-A. GRCh37 (hg19) VCF-style: chr16-81973571-G-A.
Other names: c.3388G>A, p.Ala1130Thr (NM_001425749.1, NM_001425750.1, NM_001425751.1); short protein forms A1130T.
Identifiers: ClinVar variation 2977626 (VCV002977626.3), dbSNP rs1003946385, ClinGen allele CA396908602.
Genomic context (GRCh38, chr16:81,939,966, plus strand): 5'-AGCCCTATCTGGGCTCCAACACAGGAGAAGGTGACATTTGAAATTTATGACCCAAACCTG[G>A]CATTTCTGCGCTTTGTGGTTTATGAAGAAGATATGTTCAGCGATCCCAACTTTCTTGCTC-3'
Protein context (NP_002652.2, residues 1120-1140): VTFEIYDPNL[Ala1130Thr]FLRFVVYEED